The following is an entry in ClinVar:

ClinVar aggregate classification (germline): Uncertain significance. Review status: criteria provided, multiple submitters, no conflicts (2 of 4 stars). 3 submissions from 3 submitters: Uncertain significance (2). 1 of the submissions does not count toward it. Last evaluated 2022-09-27.

Conditions:
Usher syndrome type 1F (USH1F). Also called: USHER SYNDROME, TYPE IF. Identifiers: Orphanet 231169, Orphanet 886, MedGen C1865885, MONDO:0011186, OMIM 602083.

Allele frequency attached by ClinVar (database versions not stated): gnomAD 0.00001; gnomAD exomes 0.00001; TOPMed 0.00001.
gnomAD v4.1: 4 of 1,613,390 alleles (0.00025%); highest among the groups gnomAD compares: Admixed American, 0.0033%; no homozygotes.

Submissions (3):

Labcorp Genetics (formerly Invitae), Labcorp
Classification: Uncertain significance. Last evaluated: 2022-09-27. Review status: criteria provided, single submitter. Criteria: Invitae Variant Classification Sherloc (09022015). Collection method: clinical testing. Allele origin: germline.
Comment: This sequence change replaces proline, which is neutral and non-polar, with serine, which is neutral and polar, at codon 303 of the PCDH15 protein (p.Pro303Ser). This variant is present in population databases (no rsID available, gnomAD 0.003%). This variant has not been reported in the literature in individuals affected with PCDH15-related conditions. ClinVar contains an entry for this variant (Variation ID: 965973). Advanced modeling of protein sequence and biophysical properties (such as structural, functional, and spatial information, amino acid conservation, physicochemical variation, residue mobility, and thermodynamic stability) performed at Invitae indicates that this missense variant is not expected to disrupt PCDH15 protein function. In summary, the available evidence is currently insufficient to determine the role of this variant in disease. Therefore, it has been classified as a Variant of Uncertain Significance.

Blueprint Genetics
Classification: Uncertain significance. Last evaluated: 2021-04-19. Review status: criteria provided, single submitter. Criteria: ACMG Guidelines, 2015. Collection method: clinical testing. Allele origin: germline.

Natera, Inc.
Classification: Uncertain significance for Usher syndrome type 1F. Last evaluated: 2020-08-05. Review status: no assertion criteria provided. Collection method: clinical testing. Allele origin: germline. Not counted in ClinVar's aggregate classification.

NM_001384140.1(PCDH15):c.907C>T (p.Pro303Ser)

Gene: PCDH15 (protocadherin related 15; minus strand). Cytogenetic location: 10q21.1.
Variant type: single nucleotide variant.
Coding change: c.907C>T on transcript NM_001384140.1 (MANE Select); coding-DNA position 907, C replaced by T.
Protein change: p.Pro303Ser; replaces proline 303 with serine.
Molecular consequence: missense variant.
Genome position (GRCh38, 1-based): chr10:54,236,901, G>A on the plus strand (C>T on the coding strand, the complement: PCDH15 is on the minus strand). VCF-style: chr10-54236901-G-A. GRCh37 (hg19) VCF-style: chr10-55996661-G-A.
Other names: c.922C>T, p.Pro308Ser (NM_001142763.2, NM_001142769.4, NM_001142771.2); c.907C>T, p.Pro303Ser (NM_001142764.2, NM_001142765.2, NM_001142766.2 and 7 more transcripts); c.796C>T, p.Pro266Ser (NM_001142767.2); c.841C>T, p.Pro281Ser (NM_001142768.2, NM_001142773.2, NM_001354404.2); short protein forms P266S, P281S, P308S, P303S.
Identifiers: ClinVar variation 965973 (VCV000965973.8), dbSNP rs1283485823, ClinGen allele CA376528025.
Genomic context (GRCh38, chr10:54,236,901, plus strand): 5'-GGATTCCTGGCCTATCTGATGGCGGTTGAATATTCCGGTCCTGATCAATGGCTTGGATTG[G>A]TGGCGTAACAATAATGGGGTTCAGTTCTTCCTGAAAAAAAAATTAAGAGAGTTTCATTCA-3'
Protein context (NP_001371069.1, residues 293-313): EELNPIIVTP[Pro303Ser]IQAIDQDRNI